The following is an entry in ClinVar:

NM_000075.4(CDK4):c.816G>A (p.Leu272=)

Genes: TSPAN31 (tetraspanin 31; plus strand), CDK4 (cyclin dependent kinase 4; minus strand). Cytogenetic location: 12q14.1.
Variant type: single nucleotide variant.
Coding change: c.816G>A on transcript NM_000075.4 (MANE Select); coding-DNA position 816, G replaced by A.
Protein change: p.Leu272=; no amino-acid change (leucine 272 retained).
Molecular consequence: synonymous variant. On other transcripts: 3 prime UTR variant (3).
Genome position (GRCh38, 1-based): chr12:57,749,185, C>T on the plus strand (G>A on the coding strand, the complement: CDK4 is on the minus strand). VCF-style: chr12-57749185-C-T. GRCh37 (hg19) VCF-style: chr12-58142968-C-T.
Other names: c.*1895C>T (NM_001330168.2, NM_001330169.2, NM_005981.5).
Identifiers: ClinVar variation 3378720 (VCV003378720.1).

ClinVar aggregate classification (germline): Benign (1 of 4 stars; one submission).

Conditions:
Melanoma, cutaneous malignant, susceptibility to, 3. Also called: Cutaneous malignant melanoma 3. Identifiers: Orphanet 618, MedGen C1836892, MONDO:0012183, OMIM 609048.

Submission:

Myriad Genetics, Inc.
Classification: Benign for Melanoma, cutaneous malignant, susceptibility to, 3. Last evaluated: 2024-09-26. Review status: criteria provided, single submitter. Criteria: Myriad Autosomal Dominant, Autosomal Recessive and X-Linked Classification Criteria (2023). Collection method: clinical testing. Allele origin: unknown.
Comment: This variant is considered benign. This variant is a silent/synonymous amino acid change and it is not expected to impact splicing.